The following is an entry in ClinVar:

NM_173648.4(CCDC141):c.2536T>C (p.Ser846Pro)

Gene: CCDC141 (coiled-coil domain containing 141; minus strand). Cytogenetic location: 2q31.2.
Variant type: single nucleotide variant.
Coding change: c.2536T>C on transcript NM_173648.4 (MANE Select); coding-DNA position 2536, T replaced by C.
Protein change: p.Ser846Pro; replaces serine 846 with proline.
Molecular consequence: missense variant.
Genome position (GRCh38, 1-based): chr2:178,868,064, A>G on the plus strand (T>C on the coding strand, the complement: CCDC141 is on the minus strand). VCF-style: chr2-178868064-A-G. GRCh37 (hg19) VCF-style: chr2-179732791-A-G.
Other names: c.2536T>C (NM_173648.3); short protein forms S846P.
Identifiers: ClinVar variation 2191067 (VCV002191067.5), dbSNP rs367600399, ClinGen allele CA2006988.
Genomic context (GRCh38, chr2:178,868,064, plus strand): 5'-GATAGTGTTATTAGATGCTTACAGGCCGCTGCACTGATGAGATGATGTCGACTCCTAAGG[A>G]AAGGGCCAGTCTGTGGAGATGGTCTACACGGGCTTGCTTTTCCTGAGAGCACCGGAGGTG-3'
Protein context (NP_775919.3, residues 836-856): RVDHLHRLAL[Ser846Pro]LGVDIISSVQ

ClinVar aggregate classification (germline): Uncertain significance. Review status: criteria provided, multiple submitters, no conflicts (2 of 4 stars). 2 submissions from 2 submitters: Uncertain significance (2). Last evaluated 2025-07-15.

Allele frequency attached by ClinVar (database versions not stated): ExAC 0.00004; gnomAD 0.00004; gnomAD exomes 0.00004; TOPMed 0.00004; ESP Exome Variant Server 0.00015; 1000 Genomes Project 30x 0.00016; 1000 Genomes Project 0.00020.
gnomAD v4.1: 63 of 1,613,932 alleles (0.0039%); highest among the groups gnomAD compares: Middle Eastern, 0.033%; no homozygotes.

Submissions (2):

Ambry Genetics
Classification: Uncertain significance. Last evaluated: 2025-07-15. Review status: criteria provided, single submitter. Criteria: Ambry Variant Classification Scheme 2023. Collection method: clinical testing. Allele origin: germline.

Labcorp Genetics (formerly Invitae), Labcorp
Classification: Uncertain significance. Last evaluated: 2022-04-30. Review status: criteria provided, single submitter. Criteria: Invitae Variant Classification Sherloc (09022015). Collection method: clinical testing. Allele origin: germline.
Comment: This sequence change replaces serine, which is neutral and polar, with proline, which is neutral and non-polar, at codon 846 of the CCDC141 protein (p.Ser846Pro). In summary, the available evidence is currently insufficient to determine the role of this variant in disease. Therefore, it has been classified as a Variant of Uncertain Significance. Algorithms developed to predict the effect of missense changes on protein structure and function are either unavailable or do not agree on the potential impact of this missense change (SIFT: "Deleterious"; PolyPhen-2: "Possibly Damaging"; Align-GVGD: "Class C0"). This variant has not been reported in the literature in individuals affected with CCDC141-related conditions. This variant is present in population databases (rs367600399, gnomAD 0.007%).